The following is an entry in ClinVar:

ClinVar aggregate classification (germline): Uncertain significance (1 of 4 stars; one submission).

Submission:

GeneDx
Classification: Uncertain significance. Last evaluated: 2024-08-07. Review status: criteria provided, single submitter. Criteria: GeneDx Variant Classification Process June 2021. Collection method: clinical testing. Allele origin: germline. Affected: yes.
Comment: Not observed at significant frequency in large population cohorts (gnomAD); In silico analysis indicates that this missense variant does not alter protein structure/function; Has not been previously published as pathogenic or benign to our knowledge

NM_001372044.2(SHANK3):c.2713T>G (p.Phe905Val)

Gene: SHANK3 (SH3 and multiple ankyrin repeat domains 3; plus strand). Cytogenetic location: 22q13.33.
Variant type: single nucleotide variant.
Coding change: c.2713T>G on transcript NM_001372044.2 (MANE Select); coding-DNA position 2713, T replaced by G.
Protein change: p.Phe905Val; replaces phenylalanine 905 with valine.
Molecular consequence: missense variant.
Genome position (GRCh38, 1-based): chr22:50,720,321, T>G. VCF-style: chr22-50720321-T-G. GRCh37 (hg19) VCF-style: chr22-51158749-T-G.
Other names: c.2488T>G (NM_033517.1); short protein forms F905V.
Identifiers: ClinVar variation 3602929 (VCV003602929.1).